The following is an entry in ClinVar:

NM_170682.4(P2RX2):c.710C>T (p.Pro237Leu)

Gene: P2RX2 (purinergic receptor P2X 2; plus strand). Cytogenetic location: 12q24.33.
Variant type: single nucleotide variant.
Coding change: c.710C>T on transcript NM_170682.4 (MANE Select); coding-DNA position 710, C replaced by T.
Protein change: p.Pro237Leu; replaces proline 237 with leucine.
Molecular consequence: missense variant. On other transcripts: synonymous variant (1).
Genome position (GRCh38, 1-based): chr12:132,620,519, C>T. VCF-style: chr12-132620519-C-T. GRCh37 (hg19) VCF-style: chr12-133197105-C-T.
Other names: c.603C>T, p.Pro201= (NM_001282164.2); c.710C>T, p.Pro237Leu (NM_001282165.2, NM_170683.4, NM_174873.3); c.494C>T, p.Pro165Leu (NM_012226.5); c.638C>T, p.Pro213Leu (NM_016318.4); c.434C>T, p.Pro145Leu (NM_174872.3); short protein forms P165L, P213L, P145L, P237L.
Identifiers: ClinVar variation 1402437 (VCV001402437.8), dbSNP rs2138375183, ClinGen allele CA387360197.

ClinVar aggregate classification (germline): Uncertain significance (1 of 4 stars; one submission).

Submission:

Labcorp Genetics (formerly Invitae), Labcorp
Classification: Uncertain significance. Last evaluated: 2022-07-05. Review status: criteria provided, single submitter. Criteria: Invitae Variant Classification Sherloc (09022015). Collection method: clinical testing. Allele origin: germline.
Comment: In summary, the available evidence is currently insufficient to determine the role of this variant in disease. Therefore, it has been classified as a Variant of Uncertain Significance. Algorithms developed to predict the effect of missense changes on protein structure and function (SIFT, PolyPhen-2, Align-GVGD) all suggest that this variant is likely to be disruptive. ClinVar contains an entry for this variant (Variation ID: 1402437). This variant has not been reported in the literature in individuals affected with P2RX2-related conditions. This variant is not present in population databases (gnomAD no frequency). This sequence change replaces proline, which is neutral and non-polar, with leucine, which is neutral and non-polar, at codon 237 of the P2RX2 protein (p.Pro237Leu).